The following is an entry in ClinVar:

NM_033409.4(SLC52A3):c.974C>T (p.Ser325Phe)

Gene: SLC52A3 (solute carrier family 52 member 3; minus strand). Cytogenetic location: 20p13.
Variant type: single nucleotide variant.
Coding change: c.974C>T on transcript NM_033409.4 (MANE Select); coding-DNA position 974, C replaced by T.
Protein change: p.Ser325Phe; replaces serine 325 with phenylalanine.
Molecular consequence: missense variant.
Genome position (GRCh38, 1-based): chr20:763,597, G>A on the plus strand (C>T on the coding strand, the complement: SLC52A3 is on the minus strand). VCF-style: chr20-763597-G-A. GRCh37 (hg19) VCF-style: chr20-744241-G-A.
Other names: c.974C>T, p.Ser325Phe (NM_001370085.1, NM_001370086.1); short protein forms S325F.
Identifiers: ClinVar variation 1040304 (VCV001040304.8), dbSNP rs748083229, ClinGen allele CA9724638.
Genomic context (GRCh38, chr20:763,597, plus strand): 5'-TTGGCCACAATGCTGAGGGTGGCAGCCAGGTGGTAGGCAACTGGCCCATAGGACAGGCAG[G>A]AGTAGGTCTGCACAGAGGGCAGCATGCCGTTGGTGAGCGCGTTGACGAAGGCCACCAGGG-3'
Protein context (NP_212134.3, residues 315-335): NGMLPSVQTY[Ser325Phe]CLSYGPVAYH

ClinVar aggregate classification (germline): Uncertain significance (1 of 4 stars; one submission).

Conditions:
Brown-Vialetto-van Laere syndrome 1. Also called: BROWN-VIALETTO-VAN LAERE SYNDROME 1, MILD; BULBAR PALSY, PROGRESSIVE, WITH SENSORINEURAL DEAFNESS; PONTOBULBAR PALSY WITH DEAFNESS. Identifiers: Orphanet 572550, Orphanet 97229, MedGen C0796274, MONDO:0024537, OMIM 211530.

Allele frequency attached by ClinVar (database versions not stated): ExAC 0.00002; gnomAD exomes below 0.00001 and 0.00001.
gnomAD v4.1: 2 of 1,614,220 alleles (0.00012%); highest among the groups gnomAD compares: Admixed American, 0.0033%; no homozygotes.

Submission:

Labcorp Genetics (formerly Invitae), Labcorp
Classification: Uncertain significance for Brown-Vialetto-van Laere syndrome 1. Last evaluated: 2022-05-04. Review status: criteria provided, single submitter. Criteria: Invitae Variant Classification Sherloc (09022015). Collection method: clinical testing. Allele origin: germline.
Comment: ClinVar contains an entry for this variant (Variation ID: 1040304). This sequence change replaces serine, which is neutral and polar, with phenylalanine, which is neutral and non-polar, at codon 325 of the SLC52A3 protein (p.Ser325Phe). This variant is present in population databases (rs748083229, gnomAD 0.006%). This variant has not been reported in the literature in individuals affected with SLC52A3-related conditions. Algorithms developed to predict the effect of missense changes on protein structure and function are either unavailable or do not agree on the potential impact of this missense change (SIFT: "Deleterious"; PolyPhen-2: "Probably Damaging"; Align-GVGD: "Class C15"). In summary, the available evidence is currently insufficient to determine the role of this variant in disease. Therefore, it has been classified as a Variant of Uncertain Significance.